The following is an entry in ClinVar:

NM_152281.3(GORAB):c.257_259delinsGAG (p.Pro86_Ser87delinsArgGly)

Gene: GORAB (golgin, RAB6 interacting; plus strand). Cytogenetic location: 1q24.2.
Variant type: Indel.
Coding change: c.257_259delinsGAG on transcript NM_152281.3 (MANE Select); coding-DNA positions 257 to 259, CGA replaced by GAG.
Protein change: p.Pro86_Ser87delinsArgGly.
Molecular consequence: missense variant. On other transcripts: 5 prime UTR variant (1), non-coding transcript variant (1).
Genome position (GRCh38, 1-based): chr1:170,539,405-170,539,407, CGA replaced by GAG. VCF-style: chr1-170539405-CGA-GAG. GRCh37 (hg19) VCF-style: chr1-170508546-CGA-GAG.
Other names: c.257_259delinsGAG, p.Pro86_Ser87delinsArgGly (NM_001146039.2); c.-209_-207delinsGAG (NM_001320252.2); c.206_208delCGAinsGAG, p.Pro69_Ser70delinsArgGly (NM_001410894.1).
Identifiers: ClinVar variation 2029533 (VCV002029533.4), dbSNP rs2525929689, ClinGen allele CA2580061364.

ClinVar aggregate classification (germline): Uncertain significance (1 of 4 stars; one submission).

Submission:

Labcorp Genetics (formerly Invitae), Labcorp
Classification: Uncertain significance. Last evaluated: 2024-02-24. Review status: criteria provided, single submitter. Criteria: Invitae Variant Classification Sherloc (09022015). Collection method: clinical testing. Allele origin: germline.
Comment: This variant, c.332_334delinsGAG, is a complex sequence change that results in the deletion of 2 and insertion of 2 amino acid(s) in the GORAB protein (p.Pro111_Ser112delinsArgGly). Information on the frequency of this variant in the gnomAD database is not available, as this variant may be reported differently in the database. This variant has not been reported in the literature in individuals affected with GORAB-related conditions. Experimental studies and prediction algorithms are not available or were not evaluated, and the functional significance of this variant is currently unknown. In summary, the available evidence is currently insufficient to determine the role of this variant in disease. Therefore, it has been classified as a Variant of Uncertain Significance.